The following is an entry in ClinVar:

NM_001080477.4(TENM3):c.4541C>T (p.Ala1514Val)

Gene: TENM3 (teneurin transmembrane protein 3; plus strand). Cytogenetic location: 4q35.1.
Variant type: single nucleotide variant.
Coding change: c.4541C>T on transcript NM_001080477.4 (MANE Select); coding-DNA position 4541, C replaced by T.
Protein change: p.Ala1514Val; replaces alanine 1514 with valine.
Molecular consequence: missense variant.
Genome position (GRCh38, 1-based): chr4:182,754,908, C>T. VCF-style: chr4-182754908-C-T. GRCh37 (hg19) VCF-style: chr4-183676061-C-T.
Other names: c.3773C>T, p.Ala1258Val (NM_001415960.1); c.3746C>T, p.Ala1249Val (NM_001415961.1); c.3743C>T, p.Ala1248Val (NM_001415962.1); c.3725C>T, p.Ala1242Val (NM_001415963.1); c.3722C>T, p.Ala1241Val (NM_001415964.1); c.4259C>T, p.Ala1420Val (NM_001415966.1); c.4283C>T, p.Ala1428Val (NM_001415967.1); c.4559C>T, p.Ala1520Val (NM_001415968.1); and 4 more; short protein forms A1249V, A1514V, A1520V, A1521V, A1248V, A1420V, A1241V, A1242V.
Identifiers: ClinVar variation 2075833 (VCV002075833.4), dbSNP rs192269513, ClinGen allele CA3148437.
Genomic context (GRCh38, chr4:182,754,908, plus strand): 5'-GGATCCGGGCTGTGTCAAAGAATAAGCCTTTACTTAACTCTATGAACTTCTATGAAGTTG[C>T]GTCTCCAACTGATCAAGAACTCTACATCTTTGACATCAATGGTACTCACCAATATACTGT-3'
Protein context (NP_001073946.1, residues 1504-1524): LLNSMNFYEV[Ala1514Val]SPTDQELYIF

ClinVar aggregate classification (germline): Uncertain significance (1 of 4 stars; one submission).

Allele frequency attached by ClinVar (database versions not stated): ExAC 0.00009; ESP Exome Variant Server 0.00017; gnomAD 0.00029; TOPMed 0.00065; 1000 Genomes Project 30x 0.00078; gnomAD exomes 0.00010; 1000 Genomes Project 0.00080.
gnomAD v4.1: 204 of 1,613,952 alleles (0.013%); highest among the groups gnomAD compares: Admixed American, 0.078%; no homozygotes.

Submission:

Labcorp Genetics (formerly Invitae), Labcorp
Classification: Uncertain significance. Last evaluated: 2022-10-17. Review status: criteria provided, single submitter. Criteria: Invitae Variant Classification Sherloc (09022015). Collection method: clinical testing. Allele origin: germline.
Comment: In summary, the available evidence is currently insufficient to determine the role of this variant in disease. Therefore, it has been classified as a Variant of Uncertain Significance. This sequence change replaces alanine, which is neutral and non-polar, with valine, which is neutral and non-polar, at codon 1514 of the TENM3 protein (p.Ala1514Val). This variant is present in population databases (rs192269513, gnomAD 0.02%). This variant has not been reported in the literature in individuals affected with TENM3-related conditions. Advanced modeling of protein sequence and biophysical properties (such as structural, functional, and spatial information, amino acid conservation, physicochemical variation, residue mobility, and thermodynamic stability) performed at Invitae indicates that this missense variant is expected to disrupt TENM3 protein function.